The following is an entry in ClinVar:

ClinVar aggregate classification (germline): Pathogenic (1 of 4 stars; one submission).

Conditions:
Spongy degeneration of central nervous system. Also called: AMINOACYLASE 2 DEFICIENCY; ACY2 DEFICIENCY; ASP DEFICIENCY; ASPA DEFICIENCY; ASPARTOACYLASE DEFICIENCY; CANAVAN-VAN BOGAERT-BERTRAND DISEASE. Identifiers: Orphanet 141, MedGen C0206307, MONDO:0010079, OMIM 271900.

Submission:

Labcorp Genetics (formerly Invitae), Labcorp
Classification: Pathogenic for Spongy degeneration of central nervous system. Last evaluated: 2023-01-19. Review status: criteria provided, single submitter. Criteria: Invitae Variant Classification Sherloc (09022015). Collection method: clinical testing. Allele origin: germline.
Comment: This variant is not present in population databases (gnomAD no frequency). This premature translational stop signal has been observed in individual(s) with Canavan disease (PMID: 22468686). This sequence change creates a premature translational stop signal (p.Tyr88*) in the ASPA gene. It is expected to result in an absent or disrupted protein product. Loss-of-function variants in ASPA are known to be pathogenic (PMID: 12638939). For these reasons, this variant has been classified as Pathogenic.

Literature cited by the submitters: PubMed 22468686; PubMed 12638939.

NM_000049.4(ASPA):c.264T>A (p.Tyr88Ter)

Genes: SPATA22 (spermatogenesis associated 22; minus strand), ASPA (aspartoacylase; plus strand). Cytogenetic location: 17p13.2.
Variant type: single nucleotide variant.
Coding change: c.264T>A on transcript NM_000049.4 (MANE Select); coding-DNA position 264, T replaced by A.
Protein change: p.Tyr88Ter; replaces tyrosine 88 with a stop codon.
Molecular consequence: nonsense. On other transcripts: intron variant (2).
Genome position (GRCh38, 1-based): chr17:3,481,630, T>A. VCF-style: chr17-3481630-T-A. GRCh37 (hg19) VCF-style: chr17-3384924-T-A.
Other names: c.264T>A, p.Tyr88Ter (NM_001128085.1); c.-73-12232A>T (NM_001321336.2, NM_001321337.2); short protein forms Y88*.
Identifiers: ClinVar variation 2736391 (VCV002736391.3), dbSNP rs2073629527, ClinGen allele CA397682107.